The following is an entry in ClinVar:

NM_001080466.2(BTBD17):c.951C>T (p.Leu317=)

Gene: BTBD17 (BTB domain containing 17; minus strand). Cytogenetic location: 17q25.1.
Variant type: single nucleotide variant.
Coding change: c.951C>T on transcript NM_001080466.2 (MANE Select); coding-DNA position 951, C replaced by T.
Protein change: p.Leu317=; no amino-acid change (leucine 317 retained).
Molecular consequence: synonymous variant.
Genome position (GRCh38, 1-based): chr17:74,357,143, G>A on the plus strand (C>T on the coding strand, the complement: BTBD17 is on the minus strand). VCF-style: chr17-74357143-G-A. GRCh37 (hg19) VCF-style: chr17-72353282-G-A.
Identifiers: ClinVar variation 4084467 (VCV004084467.8).
Genomic context (GRCh38, chr17:74,357,143, plus strand): 5'-GGTGCTGCGGTCGTCGCGGGCCGGGTTGTTGATGACCCACGGGGCGCCCCAGGCGGGCGC[G>A]AGGTAGTTGCGGGGCAGGAAGGCGCTGCCGTTGACGTCGAAGAACTTGGCGTAGTGCAGC-3'
Protein context (NP_001073935.1, residues 307-327): NGSAFLPRNY[Leu317=]APAWGAPWVI

ClinVar aggregate classification (germline): Likely benign (1 of 4 stars; one submission).

Submission:

CeGaT Center for Human Genetics Tuebingen
Classification: Likely benign. Last evaluated: 2026-05-01. Review status: criteria provided, single submitter. Criteria: CeGaT Center For Human Genetics Tuebingen Variant Classification Criteria Version 2. Collection method: clinical testing. Allele origin: germline. Affected: yes. Observed: 3 variant alleles.
Comment: BTBD17: BP4, BP7